The following is an entry in ClinVar:

NM_005045.4(RELN):c.6671+4A>T

Gene: RELN (reelin; minus strand). Cytogenetic location: 7q22.1.
Variant type: single nucleotide variant.
Coding change: c.6671+4A>T on transcript NM_005045.4 (MANE Select); 4 bases into the intron after coding-DNA position 6671, A replaced by T.
Molecular consequence: intron variant.
Genome position (GRCh38, 1-based): chr7:103,542,727, T>A on the plus strand (A>T on the coding strand, the complement: RELN is on the minus strand). VCF-style: chr7-103542727-T-A. GRCh37 (hg19) VCF-style: chr7-103183174-T-A.
Other names: c.6671+4A>T (NM_173054.3).
Identifiers: ClinVar variation 1373670 (VCV001373670.6), dbSNP rs1830200491, ClinGen allele CA1730781633.

ClinVar aggregate classification (germline): Uncertain significance (1 of 4 stars; one submission).

Conditions:
Norman-Roberts syndrome (LIS2). Also called: Lissencephaly 2 (Norman-Roberts type). Identifiers: Orphanet 89844, MedGen C0796089, MONDO:0009760, OMIM 257320.
Familial temporal lobe epilepsy 7. Identifiers: Orphanet 101046, MedGen C4225327, MONDO:0014639, OMIM 616436.

Allele frequency attached by ClinVar (database versions not stated): gnomAD exomes below 0.00001.
gnomAD v4.1: 1 of 1,614,064 alleles (0.000062%); highest among the groups gnomAD compares: Non-Finnish European, 0.000085%; no homozygotes.

Submission:

Labcorp Genetics (formerly Invitae), Labcorp
Classification: Uncertain significance for Familial temporal lobe epilepsy 7; Norman-Roberts syndrome. Last evaluated: 2022-08-16. Review status: criteria provided, single submitter. Criteria: Invitae Variant Classification Sherloc (09022015). Collection method: clinical testing. Allele origin: germline.
Comment: This sequence change falls in intron 43 of the RELN gene. It does not directly change the encoded amino acid sequence of the RELN protein. It affects a nucleotide within the consensus splice site. This variant is not present in population databases (gnomAD no frequency). In summary, the available evidence is currently insufficient to determine the role of this variant in disease. Therefore, it has been classified as a Variant of Uncertain Significance. Variants that disrupt the consensus splice site are a relatively common cause of aberrant splicing (PMID: 17576681, 9536098). Algorithms developed to predict the effect of sequence changes on RNA splicing suggest that this variant may disrupt the consensus splice site. ClinVar contains an entry for this variant (Variation ID: 1373670). This variant has not been reported in the literature in individuals affected with RELN-related conditions.

Literature cited by the submitters: PubMed 17576681; PubMed 9536098.